The following is an entry in ClinVar:

NM_001377.3(DYNC2H1):c.1253T>C (p.Leu418Pro)

Gene: DYNC2H1 (dynein cytoplasmic 2 heavy chain 1; plus strand). Cytogenetic location: 11q22.3.
Variant type: single nucleotide variant.
Coding change: c.1253T>C on transcript NM_001377.3 (MANE Select); coding-DNA position 1253, T replaced by C.
Protein change: p.Leu418Pro; replaces leucine 418 with proline.
Molecular consequence: missense variant.
Genome position (GRCh38, 1-based): chr11:103,120,929, T>C. VCF-style: chr11-103120929-T-C. GRCh37 (hg19) VCF-style: chr11-102991658-T-C.
Other names: c.1253T>C, p.Leu418Pro (NM_001080463.2); short protein forms L418P.
Identifiers: ClinVar variation 3730849 (VCV003730849.1).

ClinVar aggregate classification (germline): Uncertain significance (1 of 4 stars; one submission).

gnomAD v4.1: 15 of 1,503,528 alleles (0.001%); highest among the groups gnomAD compares: African/African-American, 0.021%; no homozygotes.

Submission:

GeneDx
Classification: Uncertain significance. Last evaluated: 2024-08-17. Review status: criteria provided, single submitter. Criteria: GeneDx Variant Classification Process June 2021. Collection method: clinical testing. Allele origin: germline. Affected: yes.
Comment: In silico analysis supports that this missense variant has a deleterious effect on protein structure/function; Has not been previously published as pathogenic or benign to our knowledge